The following is an entry in ClinVar:

ClinVar aggregate classification (germline): Uncertain significance. Review status: criteria provided, multiple submitters, no conflicts (2 of 4 stars). 4 submissions from 4 submitters: Uncertain significance (4). Last evaluated 2025-09-08.

Conditions:
Oligodontia-cancer predisposition syndrome. Also called: TOOTH AGENESIS-COLORECTAL CANCER SYNDROME. Identifiers: Orphanet 300576, MedGen C1837750, MONDO:0012075, OMIM 608615. Disease mechanism: loss of function.
Hereditary cancer-predisposing syndrome. Also called: Neoplastic Syndromes, Hereditary; Hereditary neoplastic syndrome; Tumor predisposition; Hereditary Cancer Syndrome. Identifiers: Orphanet 140162, MedGen C0027672, MeSH D009386, MONDO:0015356.

Allele frequency attached by ClinVar (database versions not stated): gnomAD exomes below 0.00001; TOPMed 0.00001.
gnomAD v4.1: 1 of 1,614,222 alleles (0.000062%); highest among the groups gnomAD compares: Non-Finnish European, 0.000085%; no homozygotes.

Submissions (4):

Labcorp Genetics (formerly Invitae), Labcorp
Classification: Uncertain significance for Oligodontia-cancer predisposition syndrome. Last evaluated: 2025-09-08. Review status: criteria provided, single submitter. Criteria: Invitae Variant Classification Sherloc (09022015). Collection method: clinical testing. Allele origin: germline.
Comment: This sequence change replaces threonine, which is neutral and polar, with isoleucine, which is neutral and non-polar, at codon 369 of the AXIN2 protein (p.Thr369Ile). This variant is not present in population databases (gnomAD no frequency). This variant has not been reported in the literature in individuals affected with AXIN2-related conditions. ClinVar contains an entry for this variant (Variation ID: 852213). Invitae Evidence Modeling of protein sequence and biophysical properties (such as structural, functional, and spatial information, amino acid conservation, physicochemical variation, residue mobility, and thermodynamic stability) indicates that this missense variant is not expected to disrupt AXIN2 protein function with a negative predictive value of 80%. In summary, the available evidence is currently insufficient to determine the role of this variant in disease. Therefore, it has been classified as a Variant of Uncertain Significance.

Ambry Genetics
Classification: Uncertain significance for Hereditary cancer-predisposing syndrome. Last evaluated: 2025-08-24. Review status: criteria provided, single submitter. Criteria: Ambry Variant Classification Scheme 2023. Collection method: clinical testing. Allele origin: germline.
Comment: The p.T369I variant (also known as c.1106C>T), located in coding exon 4 of the AXIN2 gene, results from a C to T substitution at nucleotide position 1106. The threonine at codon 369 is replaced by isoleucine, an amino acid with similar properties. This amino acid position is poorly conserved in available vertebrate species. In addition, this alteration is predicted to be tolerated by in silico analysis. Since supporting evidence is limited at this time, the clinical significance of this alteration remains unclear.

Dasa
Classification: Uncertain significance. Last evaluated: 2025-06-07. Review status: criteria provided, single submitter. Criteria: DASA Assertion Criteria. Collection method: clinical testing. Allele origin: germline.
Comment: NM_004655.4(AXIN2):c.1106C>T (p.Thr369Ile) is a missense variant that results in the substitution of threonine with isoleucine. This variant is rare in population databases. Computational prediction algorithms are consistent with a benign effect. The currently available literature and clinical evidence are not sufficient to establish a definitive association between this variant and the reported condition. Therefore, this variant is classified as a variant of uncertain significance.

Quest Diagnostics Nichols Institute San Juan Capistrano
Classification: Uncertain significance. Last evaluated: 2024-07-29. Review status: criteria provided, single submitter. Criteria: Quest Diagnostics criteria. Collection method: clinical testing. Allele origin: unknown.
Comment: The AXIN2 c.1106C>T (p.Thr369Ile) variant has not been reported in individuals with AXIN2-related conditions in the published literature. It also has not been reported in large, multi-ethnic general populations (Genome Aggregation Database). Analysis of this variant using bioinformatics tools for the prediction of the effect of amino acid changes on protein structure and function yielded predictions that this variant is benign. Based on the available information, we are unable to determine the clinical significance of this variant.

NM_004655.4(AXIN2):c.1106C>T (p.Thr369Ile)

Gene: AXIN2 (axin 2; minus strand). Cytogenetic location: 17q24.1.
Variant type: single nucleotide variant.
Coding change: c.1106C>T on transcript NM_004655.4 (MANE Select); coding-DNA position 1106, C replaced by T.
Protein change: p.Thr369Ile; replaces threonine 369 with isoleucine.
Molecular consequence: missense variant.
Genome position (GRCh38, 1-based): chr17:65,538,297, G>A on the plus strand (C>T on the coding strand, the complement: AXIN2 is on the minus strand). VCF-style: chr17-65538297-G-A. GRCh37 (hg19) VCF-style: chr17-63534415-G-A.
Other names: c.1106C>T, p.Thr369Ile (NM_001363813.1); short protein forms T369I.
Identifiers: ClinVar variation 852213 (VCV000852213.14), dbSNP rs898166595, ClinGen allele CA293099021.